The following continues an entry in ClinVar:

NM_007294.4(BRCA1):c.2722G>T (p.Glu908Ter)

Gene: BRCA1. ClinVar aggregate classification (germline): Pathogenic. Pathogenic (1).

Submissions 33 to 36 of 36:

Foulkes Cancer Genetics LDI, Lady Davis Institute for Medical Research
Classification: Pathogenic for Breast and/or ovarian cancer. Last evaluated: 2001-10-01. Review status: no assertion criteria provided. Collection method: clinical testing. Allele origin: germline. Study: The Canadian Open Genetics Repository (COGR). Not counted in ClinVar's aggregate classification.

Department of Pathology and Laboratory Medicine, Sinai Health System
Classification: Uncertain significance. Review status: no assertion criteria provided. Collection method: clinical testing. Allele origin: unknown. Affected: yes. Study: The Canadian Open Genetics Repository (COGR). Not counted in ClinVar's aggregate classification.

Diagnostic Laboratory, Department of Genetics, University Medical Center Groningen
Classification: Pathogenic for Breast-ovarian cancer, familial, susceptibility to, 1. Review status: no assertion criteria provided. Collection method: clinical testing. Allele origin: germline. Affected: yes. Study: VKGL Data-share Consensus. Not counted in ClinVar's aggregate classification.

Joint Genome Diagnostic Labs from Nijmegen and Maastricht, Radboudumc and MUMC+
Classification: Pathogenic. Review status: no assertion criteria provided. Collection method: clinical testing. Allele origin: germline. Affected: yes. Study: VKGL Data-share Consensus. Not counted in ClinVar's aggregate classification.

Literature cited by the submitters: PubMed 8554067 (cited by 5 submitters); PubMed 22006311 (cited by 3 submitters); PubMed 25880076 (cited by 5 submitters); PubMed 26010302 (cited by 4 submitters); PubMed 29470806 (cited by 4 submitters); PubMed 20104584 (cited by 3 submitters); PubMed 19016756 (cited by 3 submitters); PubMed 19949876 (cited by Labcorp Genetics (formerly Invitae), Labcorp); PubMed 29907814 (cited by Quest Diagnostics Nichols Institute San Juan Capistrano); PubMed 32380732 (cited by 4 submitters); PubMed 33471991 (cited by 3 submitters); PubMed 39733403 (cited by Quest Diagnostics Nichols Institute San Juan Capistrano); PubMed 37731132 (cited by Quest Diagnostics Nichols Institute San Juan Capistrano); PubMed 35625946 (cited by 3 submitters); PubMed 25452441 (cited by Quest Diagnostics Nichols Institute San Juan Capistrano and Laboratory for Molecular Medicine, Mass General Brigham Personalized Medicine); PubMed 16683254 (cited by Quest Diagnostics Nichols Institute San Juan Capistrano and Counsyl); PubMed 11597388 (cited by Quest Diagnostics Nichols Institute San Juan Capistrano and Women's Health and Genetics/Laboratory Corporation of America, LabCorp); PubMed 24055113 (cited by Quest Diagnostics Nichols Institute San Juan Capistrano); PubMed 12393792 (cited by Quest Diagnostics Nichols Institute San Juan Capistrano); PubMed 12068003 (cited by Quest Diagnostics Nichols Institute San Juan Capistrano); PubMed 26295337 (cited by Quest Diagnostics Nichols Institute San Juan Capistrano); PubMed 14760071 (cited by Women's Health and Genetics/Laboratory Corporation of America, LabCorp).